The following is an entry in ClinVar:

ClinVar aggregate classification (germline): Likely benign (0 of 4 stars; one submission).

Conditions:
KCNQ1-related disorder. Also called: KCNQ1-related disorders; KCNQ1-related condition. Identifiers: MedGen CN239322.

Allele frequency attached by ClinVar (database versions not stated): 1000 Genomes Project 30x 0.00016; 1000 Genomes Project 0.00020; TOPMed 0.00063; gnomAD 0.00064; gnomAD exomes 0.00068.
gnomAD v4.1: 398 of 608,018 alleles (0.065%); highest among the groups gnomAD compares: Non-Finnish European, 0.11%; no homozygotes.

Submission:

PreventionGenetics, part of Exact Sciences
Classification: Likely benign for KCNQ1-related condition. Last evaluated: 2020-02-11. Review status: no assertion criteria provided. Collection method: clinical testing. Allele origin: germline.
Comment: This variant is classified as likely benign based on ACMG/AMP sequence variant interpretation guidelines (Richards et al. 2015 PMID: 25741868, with internal and published modifications).

NM_000218.3(KCNQ1):c.1514+212T>C

Genes: KCNQ1 (potassium voltage-gated channel subfamily Q member 1; plus strand), KCNQ1OT1 (KCNQ1 opposite strand/antisense transcript 1; minus strand). Cytogenetic location: 11p15.5.
Variant type: single nucleotide variant.
Coding change: c.1514+212T>C on transcript NM_000218.3 (MANE Select); 212 bases into the intron after coding-DNA position 1514, T replaced by C.
Molecular consequence: intron variant. On other transcripts: non-coding transcript variant (1).
Genome position (GRCh38, 1-based): chr11:2,662,293, T>C. VCF-style: chr11-2662293-T-C. GRCh37 (hg19) VCF-style: chr11-2683523-T-C.
Other names: c.1244+212T>C (NM_001406837.1); c.1418+212T>C (NM_001406836.1); c.974+212T>C (NM_001406838.1); c.1133+212T>C (NM_181798.2).
Identifiers: ClinVar variation 3051785 (VCV003051785.2), dbSNP rs554041638, ClinGen allele CA216171204.
Genomic context (GRCh38, chr11:2,662,293, plus strand): 5'-GGCACCAGGCAAGAGAGGAGAGCAAGGGCACTTCCCACTGAGCCTGGGAACATGATCCTC[T>C]TGTTTTGACTTATGGAAAACCAGACTGATCATTTTCCACTTGTTTTCATGCTTTGAGAGT-3'